The following is an entry in ClinVar:

NM_152564.5(VPS13B):c.1558C>G (p.His520Asp)

Gene: VPS13B (vacuolar protein sorting 13 homolog B; plus strand). Cytogenetic location: 8q22.2.
Variant type: single nucleotide variant.
Coding change: c.1558C>G on transcript NM_152564.5 (MANE Select); coding-DNA position 1558, C replaced by G.
Protein change: p.His520Asp; replaces histidine 520 with aspartic acid.
Molecular consequence: missense variant.
Genome position (GRCh38, 1-based): chr8:99,135,728, C>G. VCF-style: chr8-99135728-C-G. GRCh37 (hg19) VCF-style: chr8-100147956-C-G.
Other names: c.1558C>G, p.His520Asp (NM_015243.3, NM_017890.5); short protein forms H520D.
Identifiers: ClinVar variation 1775197 (VCV001775197.3), dbSNP rs925201237, ClinGen allele CA182900301.

ClinVar aggregate classification (germline): Uncertain significance (1 of 4 stars; one submission).

Conditions:
Inborn genetic diseases. Identifiers: MedGen C0950123, MeSH D030342.

Allele frequency attached by ClinVar (database versions not stated): TOPMed below 0.00001; gnomAD 0.00001; gnomAD exomes 0.00001.
gnomAD v4.1: 11 of 1,612,972 alleles (0.00068%); highest among the groups gnomAD compares: South Asian, 0.0011%; no homozygotes.

Submission:

Ambry Genetics
Classification: Uncertain significance for Inborn genetic diseases. Last evaluated: 2025-12-30. Review status: criteria provided, single submitter. Criteria: Ambry Variant Classification Scheme 2023. Collection method: clinical testing. Allele origin: germline.
Comment: The c.1558C>G (p.H520D) alteration is located in exon 11 (coding exon 10) of the VPS13B gene. This alteration results from a C to G substitution at nucleotide position 1558, causing the histidine (H) at amino acid position 520 to be replaced by an aspartic acid (D). Based on data from gnomAD, the G allele has an overall frequency of 0.001% (2/282442) total alleles studied. The highest observed frequency was 0.003% (1/30586) of South Asian alleles. Based on insufficient or conflicting evidence, the clinical significance of this alteration remains unclear.